The following is an entry in ClinVar:

ClinVar aggregate classification (germline): Pathogenic/Likely pathogenic. Review status: criteria provided, multiple submitters, no conflicts (2 of 4 stars). 4 submissions from 4 submitters: Pathogenic (3); Likely pathogenic (1). Last evaluated 2024-03-12.

Conditions:
Autosomal recessive juvenile Parkinson disease 2. Also called: PARKINSON DISEASE, JUVENILE, AUTOSOMAL RECESSIVE; PRKN-Related Early-Onset Parkinson Disease; Parkinson disease, juvenile, type 2; Parkinson disease autosomal recessive, early onset; Juvenile parkinsonism; Parkinsonism, early onset, with diurnal fluctuation. Identifiers: Orphanet 2828, MedGen C1868675, MONDO:0010820, OMIM 600116.
Lung cancer. Also called: Malignant tumor of lung; Lung cancer, somatic. Identifiers: MedGen C0242379, MONDO:0008903, OMIM 211980.
Ovarian cancer. Also called: OVARIAN CANCER, SOMATIC. Identifiers: Orphanet 213500, MedGen C1140680, MONDO:0008170, OMIM 167000.

Submissions (4):

Fulgent Genetics
Classification: Pathogenic for Ovarian cancer; Lung cancer; Autosomal recessive juvenile Parkinson disease 2. Last evaluated: 2024-03-12. Review status: criteria provided, single submitter. Criteria: ACMG Guidelines, 2015. Collection method: clinical testing. Allele origin: germline.

Labcorp Genetics (formerly Invitae), Labcorp
Classification: Pathogenic. Last evaluated: 2023-08-30. Review status: criteria provided, single submitter. Criteria: Invitae Variant Classification Sherloc (09022015). Collection method: clinical testing. Allele origin: germline.
Comment: For these reasons, this variant has been classified as Pathogenic. ClinVar contains an entry for this variant (Variation ID: 817926). This variant is also known as 321-322insGT, p.Trp74/Stop81. This premature translational stop signal has been observed in individual(s) with Parkinson disease (PMID: 10072423, 33150996). This variant is present in population databases (rs746646126, gnomAD 0.009%). This sequence change creates a premature translational stop signal (p.Trp74Cysfs*8) in the PRKN gene. It is expected to result in an absent or disrupted protein product. Loss-of-function variants in PRKN are known to be pathogenic (PMID: 10072423, 20301651, 22956510).

CENTOGENE GmbH and LLC - Guiding Precision Medicine
Classification: Likely pathogenic for Autosomal recessive juvenile Parkinson disease 2. Last evaluated: 2020-10-05. Review status: criteria provided, single submitter. Criteria: ACMG Guidelines, 2015. Collection method: clinical testing. Allele origin: germline. Affected: yes.

GeneDx
Classification: Pathogenic. Last evaluated: 2018-12-11. Review status: criteria provided, single submitter. Criteria: GeneDx Variant Classification (06012015). Collection method: clinical testing. Allele origin: germline. Affected: yes.
Comment: The c.220_221dupTG pathogenic variant in the PRKN gene has been reported previously as 321-322insGT due to the use of alternative nomenclature in two siblings with early onset parkinsonism who were homozygous for this change (Abbas et al., 1999). The duplication causes a frameshift starting with codon Tryptophan 74, changes this amino acid to a Cysteine residue and creates a premature Stop codon at position 8 of the new reading frame, denoted p.Trp74CysfsX8. This pathogenic variant is predicted to cause loss of normal protein function either through protein truncation or nonsense-mediated mRNA decay. The c.220_221dupTG variant is not observed at a significant frequency in large population cohorts (Lek et al., 2016). Therefore, c.220_221dupTG is considered a pathogenic variant.

Literature cited by the submitters: PubMed 10072423 (cited by Labcorp Genetics (formerly Invitae), Labcorp); PubMed 33150996 (cited by Labcorp Genetics (formerly Invitae), Labcorp); PubMed 20301651 (cited by Labcorp Genetics (formerly Invitae), Labcorp); PubMed 22956510 (cited by Labcorp Genetics (formerly Invitae), Labcorp).

NM_004562.3(PRKN):c.220_221dup (p.Trp74fs)

Gene: PRKN (parkin RBR E3 ubiquitin protein ligase; minus strand). Cytogenetic location: 6q26.
Variant type: Duplication.
Coding change: c.220_221dup on transcript NM_004562.3 (MANE Select); coding-DNA positions 220 to 221, 2 bases duplicated (TG; older notation c.220_221dupTG).
Protein change: p.Trp74fs; shifts the reading frame from tryptophan 74.
Molecular consequence: frameshift variant. On other transcripts: intron variant (1).
Genome position (GRCh38, 1-based): chr6:162,262,716-162,262,717, CA duplicated on the plus strand (TG on the coding strand, the reverse complement: PRKN is on the minus strand); duplicating any 2 consecutive bases within chr6:162,262,716-162,262,718 gives the same sequence; the c. name uses the placement nearest the transcript's 3' end. VCF-style (leftmost placement, unchanged base first): chr6-162262715-C-CCA. GRCh37 (hg19) VCF-style: chr6-162683747-C-CCA.
Other names: c.220_221dupTG (NM_004562.2); c.220_221dup, p.Trp74fs (NM_013987.3); c.171+180593_171+180594dup (NM_013988.3); short protein forms W74fs.
Identifiers: ClinVar variation 817926 (VCV000817926.8), dbSNP rs746646126, ClinGen allele CA4090445.
Genomic context (GRCh38, chr6:162,262,715, plus strand): 5'-GCCTCCCGCCGCGTTTCTGGGGTCGTCGCCTCCAGTTGCATTCATTTCTTGACCTTTTCT[C>CCA]CACGGTCTCTGCACAATGTGAACAATGCTCTGCTGATCCAGGTCACAATTCTGTTTGGGA-3'